The following is an entry in ClinVar:

ClinVar aggregate classification (germline): Uncertain significance. Review status: criteria provided, multiple submitters, no conflicts (2 of 4 stars). 3 submissions from 3 submitters: Uncertain significance (3). Last evaluated 2025-08-29.

Conditions:
Charcot-Marie-Tooth disease type 2. Also called: Charcot-Marie-Tooth type 2. Identifiers: Orphanet 64746, MedGen C0270914, MONDO:0018993.
Neuroblastoma (NB). Identifiers: Orphanet 635, MedGen C0027819, MeSH D009447, MONDO:0005072, HP:0003006.

Allele frequency attached by ClinVar (database versions not stated): gnomAD exomes below 0.00001 and 0.00002; gnomAD 0.00001; ExAC 0.00001; TOPMed 0.00002.
gnomAD v4.1: 40 of 1,614,082 alleles (0.0025%); highest among the groups gnomAD compares: Non-Finnish European, 0.0031%; no homozygotes.

Submissions (3):

Ambry Genetics
Classification: Uncertain significance. Last evaluated: 2025-08-29. Review status: criteria provided, single submitter. Criteria: Ambry Variant Classification Scheme 2023. Collection method: clinical testing. Allele origin: germline.
Comment: The p.S1196I variant (also known as c.3587G>T), located in coding exon 32 of the KIF1B gene, results from a G to T substitution at nucleotide position 3587. The serine at codon 1196 is replaced by isoleucine, an amino acid with dissimilar properties. This amino acid position is not well conserved in available vertebrate species. In addition, this alteration is predicted to be tolerated by in silico analysis. Since supporting evidence is limited at this time, the clinical significance of this alteration remains unclear.

Labcorp Genetics (formerly Invitae), Labcorp
Classification: Uncertain significance for Charcot-Marie-Tooth disease type 2. Last evaluated: 2024-11-24. Review status: criteria provided, single submitter. Criteria: Invitae Variant Classification Sherloc (09022015). Collection method: clinical testing. Allele origin: germline.
Comment: This sequence change replaces serine, which is neutral and polar, with isoleucine, which is neutral and non-polar, at codon 1196 of the KIF1B protein (p.Ser1196Ile). This variant is present in population databases (rs745380720, gnomAD 0.0009%). This variant has not been reported in the literature in individuals affected with KIF1B-related conditions. ClinVar contains an entry for this variant (Variation ID: 291573). An algorithm developed to predict the effect of missense changes on protein structure and function (PolyPhen-2) suggests that this variant is likely to be tolerated. In summary, the available evidence is currently insufficient to determine the role of this variant in disease. Therefore, it has been classified as a Variant of Uncertain Significance.

Illumina Laboratory Services, Illumina
Classification: Uncertain significance for Neuroblastoma. Last evaluated: 2018-01-13. Review status: criteria provided, single submitter. Criteria: ICSL Variant Classification Criteria 13 December 2019. Collection method: clinical testing. Allele origin: germline.

NM_001365951.3(KIF1B):c.3725G>T (p.Ser1242Ile)

Gene: KIF1B (kinesin family member 1B; plus strand). Cytogenetic location: 1p36.22.
Variant type: single nucleotide variant.
Coding change: c.3725G>T on transcript NM_001365951.3 (MANE Select); coding-DNA position 3725, G replaced by T.
Protein change: p.Ser1242Ile; replaces serine 1242 with isoleucine.
Molecular consequence: missense variant.
Genome position (GRCh38, 1-based): chr1:10,345,881, G>T. VCF-style: chr1-10345881-G-T. GRCh37 (hg19) VCF-style: chr1-10405939-G-T.
Other names: c.3725G>T, p.Ser1242Ile (NM_001365952.1); c.3587G>T, p.Ser1196Ile (NM_015074.3); short protein forms S1196I, S1242I.
Identifiers: ClinVar variation 291573 (VCV000291573.13), dbSNP rs745380720, ClinGen allele CA581864.
Genomic context (GRCh38, chr1:10,345,881, plus strand): 5'-ACATACTCTAAAAACTTTTAAAAGTTCCAGCCACCAAGTTAAACACGATGAGCAAAACCA[G>T]CCTTGGCCAGAGCATGAGCAAGTATGACCTCCTGGTTTGGTTTGAGATCAGTGAACTGGA-3'
Protein context (NP_001352880.1, residues 1232-1252): ATKLNTMSKT[Ser1242Ile]LGQSMSKYDL